The following is an entry in ClinVar:

ClinVar aggregate classification (germline): Conflicting classifications of pathogenicity. Review status: criteria provided, conflicting classifications (1 of 4 stars). 2 submissions from 2 submitters: Uncertain significance (1); Likely benign (1). Last evaluated 2025-01-01.

gnomAD v4.1: 355 of 1,597,896 alleles (0.022%); highest among the groups gnomAD compares: Non-Finnish European, 0.026%; no homozygotes.

Submissions (2):

CeGaT Center for Human Genetics Tuebingen
Classification: Uncertain significance. Last evaluated: 2025-01-01. Review status: criteria provided, single submitter. Criteria: CeGaT Center For Human Genetics Tuebingen Variant Classification Criteria Version 2. Collection method: clinical testing. Allele origin: germline. Affected: yes. Observed: 1 variant allele.
Comment: CDK10: PM2, BP4

Blueprint Genetics
Classification: Likely benign. Last evaluated: 2024-11-11. Review status: criteria provided, single submitter. Criteria: ACMG Guidelines, 2015. Collection method: clinical testing. Allele origin: germline.

NM_052988.5(CDK10):c.233-8C>T

Gene: CDK10 (cyclin dependent kinase 10; plus strand). Cytogenetic location: 16q24.3.
Variant type: single nucleotide variant.
Coding change: c.233-8C>T on transcript NM_052988.5 (MANE Select); 8 bases into the intron before coding-DNA position 233, C replaced by T.
Molecular consequence: intron variant.
Genome position (GRCh38, 1-based): chr16:89,691,435, C>T. VCF-style: chr16-89691435-C-T. GRCh37 (hg19) VCF-style: chr16-89757843-C-T.
Other names: c.20-8C>T (NM_001160367.2, NM_052987.4, NM_001098533.3).
Identifiers: ClinVar variation 3771066 (VCV003771066.14).